The following is an entry in ClinVar:

NM_006379.5(SEMA3C):c.1721A>G (p.Asn574Ser)

Gene: SEMA3C (semaphorin 3C; minus strand). Cytogenetic location: 7q21.11.
Variant type: single nucleotide variant.
Coding change: c.1721A>G on transcript NM_006379.5 (MANE Select); coding-DNA position 1721, A replaced by G.
Protein change: p.Asn574Ser; replaces asparagine 574 with serine.
Molecular consequence: missense variant.
Genome position (GRCh38, 1-based): chr7:80,749,019, T>C on the plus strand (A>G on the coding strand, the complement: SEMA3C is on the minus strand). VCF-style: chr7-80749019-T-C. GRCh37 (hg19) VCF-style: chr7-80378335-T-C.
Other names: c.1775A>G, p.Asn592Ser (NM_001350120.2); c.1547A>G, p.Asn516Ser (NM_001350121.2); short protein forms N574S, N516S, N592S.
Identifiers: ClinVar variation 4984718 (VCV004984718.1).

ClinVar aggregate classification (germline): Uncertain significance (1 of 4 stars; one submission).

Conditions:
SEMA3C-related disorder. Also called: SEMA3C-related condition.

gnomAD v4.1: 2 of 1,604,342 alleles (0.00012%); highest among the groups gnomAD compares: African/African-American, 0.0013%; no homozygotes.

Submission:

PreventionGenetics, part of Exact Sciences
Classification: Uncertain significance for SEMA3C-related condition. Last evaluated: 2024-10-24. Review status: criteria provided, single submitter. Criteria: ACMG Guidelines, 2015. Collection method: clinical testing. Allele origin: germline.
Comment: The SEMA3C c.1775A>G variant is predicted to result in the amino acid substitution p.Asn592Ser. To our knowledge, this variant has not been reported in the literature or in a large population database (gnomAD), indicating this variant is rare. At this time, the clinical significance of this variant is uncertain due to the absence of conclusive functional and genetic evidence.